The following is an entry in ClinVar:

NM_004237.4(TRIP13):c.673-7G>A

Gene: TRIP13 (thyroid hormone receptor interactor 13; plus strand). Cytogenetic location: 5p15.33.
Variant type: single nucleotide variant.
Coding change: c.673-7G>A on transcript NM_004237.4 (MANE Select); 7 bases into the intron before coding-DNA position 673, G replaced by A.
Molecular consequence: intron variant.
Genome position (GRCh38, 1-based): chr5:907,981, G>A. VCF-style: chr5-907981-G-A. GRCh37 (hg19) VCF-style: chr5-908096-G-A.
Other names: p.?; c.673-7G>A (NM_001166260.2).
Identifiers: ClinVar variation 722322 (VCV000722322.9), dbSNP rs376089662, ClinGen allele CA3179957.

ClinVar aggregate classification (germline): Likely benign. Review status: criteria provided, multiple submitters, no conflicts (2 of 4 stars). 3 submissions from 3 submitters: Likely benign (3). Last evaluated 2026-01-28.

Allele frequency attached by ClinVar (database versions not stated): 1000 Genomes Project 30x 0.00016; 1000 Genomes Project 0.00020; ExAC 0.00033; gnomAD exomes 0.00043; gnomAD 0.00048 and 0.00049; ESP Exome Variant Server 0.00062; TOPMed 0.00064.
gnomAD v4.1: 950 of 1,614,210 alleles (0.059%); highest among the groups gnomAD compares: Admixed American, 0.085%; 2 homozygotes.

Submissions (3):

Labcorp Genetics (formerly Invitae), Labcorp
Classification: Likely benign. Last evaluated: 2026-01-28. Review status: criteria provided, single submitter. Criteria: Invitae Variant Classification Sherloc (09022015). Collection method: clinical testing. Allele origin: germline.

Mayo Clinic Laboratories, Mayo Clinic
Classification: Likely benign. Last evaluated: 2025-07-29. Review status: criteria provided, single submitter. Criteria: ACMG Guidelines, 2015. Collection method: clinical testing. Allele origin: germline. Observed: 1 variant allele.
Comment: BP4, BP7

Blueprint Genetics
Classification: Likely benign. Last evaluated: 2024-11-25. Review status: criteria provided, single submitter. Criteria: ACMG Guidelines, 2015. Collection method: clinical testing. Allele origin: germline.